The following is an entry in ClinVar:

ClinVar aggregate classification (germline): Benign/Likely benign. Review status: criteria provided, multiple submitters, no conflicts (2 of 4 stars). 10 submissions from 10 submitters: Benign (5); Likely benign (2). 3 of the submissions do not count toward it. Last evaluated 2026-07-01.

Conditions:
GLI2-related disorder. Also called: GLI2-related condition; GLI2-related disorders.
Holoprosencephaly 9 (HPE9). Also called: HOLOPROSENCEPHALY WITH MICROPHTHALMIA AND FIRST BRANCHIAL ARCH ANOMALIES; PITUITARY ANOMALIES WITH HOLOPROSENCEPHALY-LIKE FEATURES. Identifiers: Orphanet 2162, MedGen C1835819, MONDO:0012563, OMIM 610829.
Postaxial polydactyly-anterior pituitary anomalies-facial dysmorphism syndrome. Also called: Culler-Jones syndrome. Identifiers: Orphanet 420584, MedGen C4014479, MONDO:0014369, OMIM 615849.

Allele frequency attached by ClinVar (database versions not stated): ESP Exome Variant Server 0.00041; gnomAD 0.00285 and 0.00302; TOPMed 0.00334; 1000 Genomes Project 0.00379; 1000 Genomes Project 30x 0.00406; gnomAD exomes 0.00414 and 0.00430; ExAC 0.00976.
gnomAD v4.1: 6,146 of 1,527,440 alleles (0.4%); highest among the groups gnomAD compares: South Asian, 1%; 26 homozygotes.

Submissions (10):

CeGaT Center for Human Genetics Tuebingen
Classification: Benign. Last evaluated: 2026-07-01. Review status: criteria provided, single submitter. Criteria: CeGaT Center For Human Genetics Tuebingen Variant Classification Criteria Version 2. Collection method: clinical testing. Allele origin: germline. Affected: yes. Observed: 8 variant alleles.
Comment: GLI2: BP4, BP7, BS1, BS2

Women's Health and Genetics/Laboratory Corporation of America, LabCorp
Classification: Benign. Last evaluated: 2026-05-13. Review status: criteria provided, single submitter. Criteria: LabCorp Variant Classification Summary - May 2015. Collection method: clinical testing. Allele origin: germline.

Labcorp Genetics (formerly Invitae), Labcorp
Classification: Benign for Postaxial polydactyly-anterior pituitary anomalies-facial dysmorphism syndrome; Holoprosencephaly 9. Last evaluated: 2025-12-23. Review status: criteria provided, single submitter. Criteria: Invitae Variant Classification Sherloc (09022015). Collection method: clinical testing. Allele origin: germline.

GeneDx
Classification: Benign. Last evaluated: 2021-04-02. Review status: criteria provided, single submitter. Criteria: GeneDx Variant Classification Process June 2021. Collection method: clinical testing. Allele origin: germline. Affected: yes.
Comment: This variant is associated with the following publications: (PMID: 21204792)

Illumina Laboratory Services, Illumina
Classification: Likely benign for Holoprosencephaly 9. Last evaluated: 2017-04-27. Review status: criteria provided, single submitter. Criteria: ICSL Variant Classification Criteria 13 December 2019. Collection method: clinical testing. Allele origin: germline.
Comment: This variant was observed as part of a predisposition screen in an ostensibly healthy population. A literature search was performed for the gene, cDNA change, and amino acid change (where applicable). Publications were found based on this search. The evidence from the literature, in combination with allele frequency data from public databases where available, was sufficient to determine this variant is unlikely to cause disease. Therefore, this variant is classified as likely benign.

Eurofins Ntd Llc (ga)
Classification: Benign. Last evaluated: 2015-02-25. Review status: criteria provided, single submitter. Criteria: EGL Classification Definitions 2015. Collection method: clinical testing. Allele origin: germline. Observed: 2 variant alleles, 2 heterozygotes.

Breakthrough Genomics
Classification: Likely benign. Review status: criteria provided, single submitter. Criteria: ACMG Guidelines, 2015. Collection method: not provided. Allele origin: germline. Inheritance: Autosomal dominant inheritance. Affected: yes.

PreventionGenetics, part of Exact Sciences
Classification: Benign for GLI2-related condition. Last evaluated: 2019-05-24. Review status: no assertion criteria provided. Collection method: clinical testing. Allele origin: germline. Not counted in ClinVar's aggregate classification.
Comment: This variant is classified as benign based on ACMG/AMP sequence variant interpretation guidelines (Richards et al. 2015 PMID: 25741868, with internal and published modifications).

Clinical Genetics DNA and cytogenetics Diagnostics Lab, Erasmus MC, Erasmus Medical Center
Classification: Likely benign. Review status: no assertion criteria provided. Collection method: clinical testing. Allele origin: germline. Affected: yes. Study: VKGL Data-share Consensus. Not counted in ClinVar's aggregate classification.

Clinical Genetics, Academic Medical Center
Classification: Likely benign. Review status: no assertion criteria provided. Collection method: clinical testing. Allele origin: germline. Affected: yes. Study: VKGL Data-share Consensus. Not counted in ClinVar's aggregate classification.

Literature cited by the submitters: PubMed 21204792 (cited by Illumina Laboratory Services, Illumina).

NM_001374353.1(GLI2):c.2967C>T (p.Gly989=)

Gene: GLI2 (GLI family zinc finger 2; plus strand). Cytogenetic location: 2q14.2.
Variant type: single nucleotide variant.
Coding change: c.2967C>T on transcript NM_001374353.1 (MANE Select); coding-DNA position 2967, C replaced by T.
Protein change: p.Gly989=; no amino-acid change (glycine 989 retained).
Molecular consequence: synonymous variant.
Genome position (GRCh38, 1-based): chr2:120,988,932, C>T. VCF-style: chr2-120988932-C-T. GRCh37 (hg19) VCF-style: chr2-121746508-C-T.
Other names: c.3018C>T, p.Gly1006= (NM_001371271.1, NM_005270.5); c.2592C>T, p.Gly864= (NM_001374354.1).
Identifiers: ClinVar variation 194227 (VCV000194227.49), dbSNP rs373880077, ClinGen allele CA201047.
Genomic context (GRCh38, chr2:120,988,932, plus strand): 5'-CTTCCACAGCACCCACAACGTGAACCCCGGCCCGCTGCCGCCCTGTGCCGACAGGCGAGG[C>T]CTCCGCCTGCAGAGCCACCCGAGCACCGACGGCGGCCTGGCCCGCGGCGCCTACTCGCCC-3'
Protein context (NP_001361282.1, residues 979-999): GPLPPCADRR[Gly989=]LRLQSHPSTD